The following is an entry in ClinVar:

ClinVar aggregate classification (germline): Uncertain significance (1 of 4 stars; one submission).

Submission:

GeneDx
Classification: Uncertain significance. Last evaluated: 2023-12-10. Review status: criteria provided, single submitter. Criteria: GeneDx Variant Classification Process June 2021. Collection method: clinical testing. Allele origin: germline. Affected: yes.
Comment: Not observed at significant frequency in large population cohorts (gnomAD); In silico analysis supports that this missense variant has a deleterious effect on protein structure/function; Has not been previously published as pathogenic or benign to our knowledge

NM_013436.5(NCKAP1):c.3197T>A (p.Leu1066Gln)

Gene: NCKAP1 (NCK associated protein 1; minus strand). Cytogenetic location: 2q32.1.
Variant type: single nucleotide variant.
Coding change: c.3197T>A on transcript NM_013436.5 (MANE Select); coding-DNA position 3197, T replaced by A.
Protein change: p.Leu1066Gln; replaces leucine 1066 with glutamine.
Molecular consequence: missense variant.
Genome position (GRCh38, 1-based): chr2:182,926,889, A>T on the plus strand (T>A on the coding strand, the complement: NCKAP1 is on the minus strand). VCF-style: chr2-182926889-A-T. GRCh37 (hg19) VCF-style: chr2-183791617-A-T.
Other names: c.3215T>A, p.Leu1072Gln (NM_205842.3); short protein forms L1066Q, L1072Q.
Identifiers: ClinVar variation 3252854 (VCV003252854.1), dbSNP rs2468535704.